The following is an entry in ClinVar:

NM_001382.4(DPAGT1):c.790G>A (p.Val264Met)

Gene: DPAGT1 (dolichyl-phosphate N-acetylglucosaminephosphotransferase 1; minus strand). Cytogenetic location: 11q23.3.
Variant type: single nucleotide variant.
Coding change: c.790G>A on transcript NM_001382.4 (MANE Select); coding-DNA position 790, G replaced by A.
Protein change: p.Val264Met; replaces valine 264 with methionine.
Molecular consequence: missense variant.
Genome position (GRCh38, 1-based): chr11:119,097,982, C>T on the plus strand (G>A on the coding strand, the complement: DPAGT1 is on the minus strand). VCF-style: chr11-119097982-C-T. GRCh37 (hg19) VCF-style: chr11-118968692-C-T.
Other names: short protein forms V264M.
Identifiers: ClinVar variation 582259 (VCV000582259.10), dbSNP rs745872044, ClinGen allele CA6314530.

ClinVar aggregate classification (germline): Conflicting classifications of pathogenicity. Review status: criteria provided, conflicting classifications (1 of 4 stars). 5 submissions from 5 submitters: Likely pathogenic (3); Uncertain significance (2). Last evaluated 2025-11-17.

Conditions:
DPAGT1-congenital disorder of glycosylation. Also called: CDG Ij; DPAGT1-CDG; CONGENITAL DISORDER OF GLYCOSYLATION, TYPE Ij. Identifiers: Orphanet 86309, MedGen C2931004, MONDO:0011964, OMIM 608093.
Congenital myasthenic syndrome 13 (CMS13). Also called: Myasthenic syndrome, congenital, 13, with tubular aggregates; Myasthenic syndrome, congenital, with tubular aggregates 2. Identifiers: Orphanet 353327, Orphanet 590, MedGen C3553645, MONDO:0013883, OMIM 614750.

Allele frequency attached by ClinVar (database versions not stated): gnomAD exomes below 0.00001 and 0.00001; TOPMed 0.00001; gnomAD 0.00002; ExAC 0.00001.

Submissions (5):

Dasa
Classification: Likely pathogenic. Last evaluated: 2025-11-17. Review status: criteria provided, single submitter. Criteria: DASA Assertion Criteria. Collection method: clinical testing. Allele origin: germline.
Comment: NM_001382.4(DPAGT1):c.790G>A (p.Val264Met) is a missense variant that results in the substitution of valine with methionine. Functional evidence supports a deleterious effect on the gene or gene product (PMID: 22742743; PMID: 28662078; PMID: 37005892; PMID: 24759841). This variant has been recurrently observed in individuals with related phenotype (PMID: 22742743; PMID: 28662078; PMID: 37005892; PMID: 24759841). Multiple computational predictions support a deleterious effect on the gene or gene product. The variant is present at low frequency in population datasets. Based on the available data, this variant is classified as likely pathogenic.

GeneDx
Classification: Likely pathogenic. Last evaluated: 2023-09-20. Review status: criteria provided, single submitter. Criteria: GeneDx Variant Classification Process June 2021. Collection method: clinical testing. Allele origin: germline. Affected: yes.
Comment: Not observed at significant frequency in large population cohorts (gnomAD); In silico analysis supports that this missense variant has a deleterious effect on protein structure/function; This variant is associated with the following publications: (PMID: 24759841, 30388443)

Clinical Genetics Laboratory, Skane University Hospital Lund
Classification: Likely pathogenic. Last evaluated: 2023-01-13. Review status: criteria provided, single submitter. Criteria: ACMG Guidelines, 2015. Collection method: clinical testing. Allele origin: germline. Affected: yes.

Labcorp Genetics (formerly Invitae), Labcorp
Classification: Uncertain significance for Congenital myasthenic syndrome 13; DPAGT1-congenital disorder of glycosylation. Last evaluated: 2022-06-13. Review status: criteria provided, single submitter. Criteria: Invitae Variant Classification Sherloc (09022015). Collection method: clinical testing. Allele origin: germline.
Comment: In summary, the available evidence is currently insufficient to determine the role of this variant in disease. Therefore, it has been classified as a Variant of Uncertain Significance. This variant disrupts the p.Val264 amino acid residue in DPAGT1. Other variant(s) that disrupt this residue have been observed in individuals with DPAGT1-related conditions (PMID: 22742743, 28662078), which suggests that this may be a clinically significant amino acid residue. Experimental studies have shown that this missense change affects DPAGT1 function (PMID: 24759841). Algorithms developed to predict the effect of missense changes on protein structure and function are either unavailable or do not agree on the potential impact of this missense change (SIFT: "Deleterious"; PolyPhen-2: "Probably Damaging"; Align-GVGD: "Class C15"). ClinVar contains an entry for this variant (Variation ID: 582259). This missense change has been observed in individual(s) with congenital myasthenic syndrome (PMID: 24759841). This variant is present in population databases (rs745872044, gnomAD 0.008%). This sequence change replaces valine, which is neutral and non-polar, with methionine, which is neutral and non-polar, at codon 264 of the DPAGT1 protein (p.Val264Met).

Revvity Omics, Revvity
Classification: Uncertain significance. Last evaluated: 2021-12-21. Review status: criteria provided, single submitter. Criteria: ACMG Guidelines, 2015. Collection method: clinical testing. Allele origin: germline.

Literature cited by the submitters: PubMed 22742743 (cited by Dasa and Labcorp Genetics (formerly Invitae), Labcorp); PubMed 28662078 (cited by Dasa and Labcorp Genetics (formerly Invitae), Labcorp); PubMed 37005892 (cited by Dasa); PubMed 24759841 (cited by Dasa and Labcorp Genetics (formerly Invitae), Labcorp).